The following is an entry in ClinVar:

NM_015512.5(DNAH1):c.3128A>T (p.Asp1043Val)

Gene: DNAH1 (dynein axonemal heavy chain 1; plus strand). Cytogenetic location: 3p21.1.
Variant type: single nucleotide variant.
Coding change: c.3128A>T on transcript NM_015512.5 (MANE Select); coding-DNA position 3128, A replaced by T.
Protein change: p.Asp1043Val; replaces aspartic acid 1043 with valine.
Molecular consequence: missense variant.
Genome position (GRCh38, 1-based): chr3:52,353,203, A>T. VCF-style: chr3-52353203-A-T. GRCh37 (hg19) VCF-style: chr3-52387219-A-T.
Other names: short protein forms D1043V.
Identifiers: ClinVar variation 2152510 (VCV002152510.4), dbSNP rs1160732663, ClinGen allele CA353111549.

ClinVar aggregate classification (germline): Uncertain significance (1 of 4 stars; one submission).

Conditions:
Spermatogenic failure 18. Identifiers: MedGen C4539783, MONDO:0054615, OMIM 617576.
Ciliary dyskinesia, primary, 37 (CILD37). Also called: CILIARY DYSKINESIA, PRIMARY, 37, WITH OR WITHOUT SITUS INVERSUS. Identifiers: MedGen C4539798, MONDO:0033204, OMIM 617577.

gnomAD v4.1: 1 of 1,613,508 alleles (0.000062%); highest among the groups gnomAD compares: Admixed American, 0.0017%; no homozygotes.

Submission:

Labcorp Genetics (formerly Invitae), Labcorp
Classification: Uncertain significance for Ciliary dyskinesia, primary, 37; Spermatogenic failure 18. Last evaluated: 2022-02-24. Review status: criteria provided, single submitter. Criteria: Invitae Variant Classification Sherloc (09022015). Collection method: clinical testing. Allele origin: germline.
Comment: In summary, the available evidence is currently insufficient to determine the role of this variant in disease. Therefore, it has been classified as a Variant of Uncertain Significance. Algorithms developed to predict the effect of missense changes on protein structure and function are either unavailable or do not agree on the potential impact of this missense change (SIFT: "Deleterious"; PolyPhen-2: "Possibly Damaging"; Align-GVGD: "Class C15"). This variant has not been reported in the literature in individuals affected with DNAH1-related conditions. This variant is present in population databases (no rsID available, gnomAD 0.003%). This sequence change replaces aspartic acid, which is acidic and polar, with valine, which is neutral and non-polar, at codon 1043 of the DNAH1 protein (p.Asp1043Val).